The following is an entry in ClinVar:

ClinVar aggregate classification (germline): Uncertain significance (1 of 4 stars; one submission).

Conditions:
Hereditary cancer-predisposing syndrome. Also called: Neoplastic Syndromes, Hereditary; Tumor predisposition; Hereditary neoplastic syndrome; Hereditary Cancer Syndrome. Identifiers: Orphanet 140162, MedGen C0027672, MeSH D009386, MONDO:0015356.

Submission:

Ambry Genetics
Classification: Uncertain significance for Hereditary cancer-predisposing syndrome. Last evaluated: 2026-07-07. Review status: criteria provided, single submitter. Criteria: Ambry Variant Classification Scheme 2023. Collection method: clinical testing. Allele origin: germline.
Comment: The p.G837V variant (also known as c.2510G>T), located in coding exon 10 of the AXIN2 gene, results from a G to T substitution at nucleotide position 2510. The glycine at codon 837 is replaced by valine, an amino acid with dissimilar properties. This amino acid position is conserved. In addition, the in silico prediction for this alteration is inconclusive. Based on the available evidence, the clinical significance of this variant remains unclear.

NM_004655.4(AXIN2):c.2510G>T (p.Gly837Val)

Gene: AXIN2 (axin 2; minus strand). Cytogenetic location: 17q24.1.
Variant type: single nucleotide variant.
Coding change: c.2510G>T on transcript NM_004655.4 (MANE Select); coding-DNA position 2510, G replaced by T.
Protein change: p.Gly837Val; replaces glycine 837 with valine.
Molecular consequence: missense variant.
Genome position (GRCh38, 1-based): chr17:65,529,998, C>A on the plus strand (G>T on the coding strand, the complement: AXIN2 is on the minus strand). VCF-style: chr17-65529998-C-A. GRCh37 (hg19) VCF-style: chr17-63526116-C-A.
Other names: c.2315G>T, p.Gly772Val (NM_001363813.1); short protein forms G772V, G837V.
Identifiers: ClinVar variation 5032641 (VCV005032641.1).